The following is an entry in ClinVar:

NM_000135.4(FANCA):c.1597G>T (p.Asp533Tyr)

Gene: FANCA (FA complementation group A; minus strand). Cytogenetic location: 16q24.3.
Variant type: single nucleotide variant.
Coding change: c.1597G>T on transcript NM_000135.4 (MANE Select); coding-DNA position 1597, G replaced by T.
Protein change: p.Asp533Tyr; replaces aspartic acid 533 with tyrosine.
Molecular consequence: missense variant.
Genome position (GRCh38, 1-based): chr16:89,782,888, C>A on the plus strand (G>T on the coding strand, the complement: FANCA is on the minus strand). VCF-style: chr16-89782888-C-A. GRCh37 (hg19) VCF-style: chr16-89849296-C-A.
Other names: c.1597G>T, p.Asp533Tyr (NM_001286167.3); short protein forms D533Y.
Identifiers: ClinVar variation 2738169 (VCV002738169.3), dbSNP rs1388498490, ClinGen allele CA397457972.

ClinVar aggregate classification (germline): Uncertain significance (1 of 4 stars; one submission).

Conditions:
Fanconi anemia (FA). Also called: Fanconi's anemia. Identifiers: Orphanet 84, MedGen C0015625, MeSH D005199, MONDO:0019391.

gnomAD v4.1: 1 of 1,614,152 alleles (0.000062%); highest among the groups gnomAD compares: Admixed American, 0.0017%; no homozygotes.

Submission:

Labcorp Genetics (formerly Invitae), Labcorp
Classification: Uncertain significance for Fanconi anemia. Last evaluated: 2023-01-28. Review status: criteria provided, single submitter. Criteria: Invitae Variant Classification Sherloc (09022015). Collection method: clinical testing. Allele origin: germline.
Comment: This variant is present in population databases (no rsID available, gnomAD 0.003%). In summary, the available evidence is currently insufficient to determine the role of this variant in disease. Therefore, it has been classified as a Variant of Uncertain Significance. Advanced modeling of protein sequence and biophysical properties (such as structural, functional, and spatial information, amino acid conservation, physicochemical variation, residue mobility, and thermodynamic stability) performed at Invitae indicates that this missense variant is expected to disrupt FANCA protein function. This variant has not been reported in the literature in individuals affected with FANCA-related conditions. This sequence change replaces aspartic acid, which is acidic and polar, with tyrosine, which is neutral and polar, at codon 533 of the FANCA protein (p.Asp533Tyr).